The following is an entry in ClinVar:

NM_005857.5(ZMPSTE24):c.124-2A>C

Gene: ZMPSTE24 (zinc metallopeptidase STE24; plus strand). Cytogenetic location: 1p34.2.
Variant type: single nucleotide variant.
Coding change: c.124-2A>C on transcript NM_005857.5 (MANE Select); the canonical splice acceptor site of the intron before coding-DNA position 124, A replaced by C.
Molecular consequence: splice acceptor variant.
Genome position (GRCh38, 1-based): chr1:40,260,837, A>C. VCF-style: chr1-40260837-A-C. GRCh37 (hg19) VCF-style: chr1-40726509-A-C.
Identifiers: ClinVar variation 140515 (VCV000140515.1), dbSNP rs312262684, ClinGen allele CA232728.

ClinVar aggregate classification (germline): not provided (0 of 4 stars; one submission).

gnomAD v4.1: 3 of 1,613,050 alleles (0.00019%); highest among the groups gnomAD compares: Non-Finnish European, 0.00025%; no homozygotes.

Submission:

ZMPSTE24 homepage - Leiden Muscular Dystrophy pages
No classification provided. Review status: no classification provided. Collection method: not provided. Allele origin: germline.
Comment: probably has functional consequence